The following is an entry in ClinVar:

ClinVar aggregate classification (germline): Uncertain significance (1 of 4 stars; one submission).

Submission:

Labcorp Genetics (formerly Invitae), Labcorp
Classification: Uncertain significance. Last evaluated: 2022-09-27. Review status: criteria provided, single submitter. Criteria: Invitae Variant Classification Sherloc (09022015). Collection method: clinical testing. Allele origin: germline.
Comment: In summary, the available evidence is currently insufficient to determine the role of this variant in disease. Therefore, it has been classified as a Variant of Uncertain Significance. Advanced modeling of protein sequence and biophysical properties (such as structural, functional, and spatial information, amino acid conservation, physicochemical variation, residue mobility, and thermodynamic stability) performed at Invitae indicates that this missense variant is not expected to disrupt SLC1A2 protein function. This variant has not been reported in the literature in individuals affected with SLC1A2-related conditions. This variant is not present in population databases (gnomAD no frequency). This sequence change replaces threonine, which is neutral and polar, with isoleucine, which is neutral and non-polar, at codon 208 of the SLC1A2 protein (p.Thr208Ile).

NM_004171.4(SLC1A2):c.623C>T (p.Thr208Ile)

Gene: SLC1A2 (solute carrier family 1 member 2; minus strand). Cytogenetic location: 11p13.
Variant type: single nucleotide variant.
Coding change: c.623C>T on transcript NM_004171.4 (MANE Select); coding-DNA position 623, C replaced by T.
Protein change: p.Thr208Ile; replaces threonine 208 with isoleucine.
Molecular consequence: missense variant.
Genome position (GRCh38, 1-based): chr11:35,306,181, G>A on the plus strand (C>T on the coding strand, the complement: SLC1A2 is on the minus strand). VCF-style: chr11-35306181-G-A. GRCh37 (hg19) VCF-style: chr11-35327728-G-A.
Other names: c.596C>T, p.Thr199Ile (NM_001195728.3, NM_001252652.2); short protein forms T199I, T208I.
Identifiers: ClinVar variation 1720537 (VCV001720537.5), dbSNP rs2497860076, ClinGen allele CA380127905.